The following is an entry in ClinVar:

ClinVar aggregate classification (germline): Conflicting classifications of pathogenicity. Review status: criteria provided, conflicting classifications (1 of 4 stars). 4 submissions from 4 submitters: Uncertain significance (3); Likely benign (1). Last evaluated 2025-12-02.

Conditions:
Nemaline myopathy 2 (NEM2). Also called: Nemaline myopathy 2, autosomal recessive. Identifiers: MedGen C1850569, MONDO:0009725, OMIM 256030.
Inborn genetic diseases. Identifiers: MedGen C0950123, MeSH D030342.

Allele frequency attached by ClinVar (database versions not stated): TOPMed 0.00003; gnomAD 0.00004 and 0.00011; gnomAD exomes 0.00004 and 0.00019; ExAC 0.00018; 1000 Genomes Project 30x 0.00094; 1000 Genomes Project 0.00120.
gnomAD v4.1: 288 of 1,604,664 alleles (0.018%); highest among the groups gnomAD compares: East Asian, 0.64%; 3 homozygotes.

Submissions (4):

Labcorp Genetics (formerly Invitae), Labcorp
Classification: Likely benign for Nemaline myopathy 2. Last evaluated: 2025-12-02. Review status: criteria provided, single submitter. Criteria: Invitae Variant Classification Sherloc (09022015). Collection method: clinical testing. Allele origin: germline.

Ambry Genetics
Classification: Uncertain significance for Inborn genetic diseases. Last evaluated: 2025-08-10. Review status: criteria provided, single submitter. Criteria: Ambry Variant Classification Scheme 2023. Collection method: clinical testing. Allele origin: germline.

Revvity Omics, Revvity
Classification: Uncertain significance. Last evaluated: 2025-06-09. Review status: criteria provided, single submitter. Criteria: ACMG Guidelines, 2015. Collection method: clinical testing. Allele origin: germline.

GeneDx
Classification: Uncertain significance. Last evaluated: 2022-05-31. Review status: criteria provided, single submitter. Criteria: GeneDx Variant Classification Process June 2021. Collection method: clinical testing. Allele origin: germline. Affected: yes.
Comment: In silico analysis supports that this missense variant does not alter protein structure/function; Has not been previously published as pathogenic or benign to our knowledge

NM_001164508.2(NEB):c.24574A>G (p.Ser8192Gly)

Genes: NEB (nebulin; minus strand), RIF1 (replication timing regulatory factor 1; plus strand). Cytogenetic location: 2q23.3.
Variant type: single nucleotide variant.
Coding change: c.24574A>G on transcript NM_001164508.2 (MANE Select); coding-DNA position 24574, A replaced by G.
Protein change: p.Ser8192Gly; replaces serine 8192 with glycine.
Molecular consequence: missense variant.
Genome position (GRCh38, 1-based): chr2:151,494,166, T>C on the plus strand (A>G on the coding strand, the complement: NEB is on the minus strand). VCF-style: chr2-151494166-T-C. GRCh37 (hg19) VCF-style: chr2-152350680-T-C.
Other names: c.24574A>G, p.Ser8192Gly (NM_001164507.2); c.24679A>G, p.Ser8227Gly (NM_001271208.2); c.19006A>G, p.Ser6336Gly (NM_004543.5); c.19006A>G (NM_004543.4); short protein forms S8227G, S6336G, S8192G.
Identifiers: ClinVar variation 1516501 (VCV001516501.12), dbSNP rs141240053, ClinGen allele CA1905997.